The following is an entry in ClinVar:

NM_004385.5(VCAN):c.3060T>C (p.Thr1020=)

Gene: VCAN (versican; plus strand). Cytogenetic location: 5q14.3.
Variant type: single nucleotide variant.
Coding change: c.3060T>C on transcript NM_004385.5 (MANE Select); coding-DNA position 3060, T replaced by C.
Protein change: p.Thr1020=; no amino-acid change (threonine 1020 retained).
Molecular consequence: synonymous variant. On other transcripts: intron variant (2).
Genome position (GRCh38, 1-based): chr5:83,521,366, T>C. VCF-style: chr5-83521366-T-C. GRCh37 (hg19) VCF-style: chr5-82817185-T-C.
Other names: c.3060T>C, p.Thr1020= (NM_001164098.2); c.1042+8970T>C (NM_001164097.2, NM_001126336.3).
Identifiers: ClinVar variation 2655577 (VCV002655577.24), dbSNP rs1424781085, ClinGen allele CA445397117.
Genomic context (GRCh38, chr5:83,521,366, plus strand): 5'-CTCTCAAGACATACTTGTCATTGATCAGACTCGCCTTGAAGCGACTATTTCTCCAGAAAC[T>C]ATGAGAACAACAAAAATCACAGAGGGAACAACTCAGGAAGAATTCCCTTGGAAAGAACAG-3'
Protein context (NP_004376.2, residues 1010-1030): TRLEATISPE[Thr1020=]MRTTKITEGT

ClinVar aggregate classification (germline): Likely benign (1 of 4 stars; one submission).

Allele frequency attached by ClinVar (database versions not stated): gnomAD exomes below 0.00001.
gnomAD v4.1: 1 of 1,614,104 alleles (0.000062%); highest among the groups gnomAD compares: Non-Finnish European, 0.000085%; no homozygotes.

Submission:

CeGaT Center for Human Genetics Tuebingen
Classification: Likely benign. Last evaluated: 2023-02-01. Review status: criteria provided, single submitter. Criteria: CeGaT Center For Human Genetics Tuebingen Variant Classification Criteria Version 2. Collection method: clinical testing. Allele origin: germline. Affected: yes. Observed: 1 variant allele.
Comment: VCAN: BP4, BP7